The following is an entry in ClinVar:

NM_000338.3(SLC12A1):c.*5T>G

Gene: SLC12A1 (solute carrier family 12 member 1; plus strand). Cytogenetic location: 15q21.1.
Variant type: single nucleotide variant.
Coding change: c.*5T>G on transcript NM_000338.3 (MANE Select); 5 bases downstream of the stop codon, T replaced by G.
Molecular consequence: 3 prime UTR variant.
Genome position (GRCh38, 1-based): chr15:48,302,890, T>G. VCF-style: chr15-48302890-T-G. GRCh37 (hg19) VCF-style: chr15-48595087-T-G.
Other names: c.*5T>G (NM_001184832.2, NM_001384136.1).
Identifiers: ClinVar variation 3047431 (VCV003047431.2), dbSNP rs111502153, ClinGen allele CA7547636.

ClinVar aggregate classification (germline): Likely benign (0 of 4 stars; one submission).

Conditions:
SLC12A1-related disorder. Also called: SLC12A1-related condition.

Allele frequency attached by ClinVar (database versions not stated): gnomAD exomes 0.00005; ExAC 0.00022; ESP Exome Variant Server 0.00054; TOPMed 0.00062; gnomAD 0.00064; 1000 Genomes Project 30x 0.00078; 1000 Genomes Project 0.00080.
gnomAD v4.1: 184 of 1,597,646 alleles (0.012%); highest among the groups gnomAD compares: African/African-American, 0.22%; no homozygotes.

Submission:

PreventionGenetics, part of Exact Sciences
Classification: Likely benign for SLC12A1-related condition. Last evaluated: 2019-03-14. Review status: no assertion criteria provided. Collection method: clinical testing. Allele origin: germline.
Comment: This variant is classified as likely benign based on ACMG/AMP sequence variant interpretation guidelines (Richards et al. 2015 PMID: 25741868, with internal and published modifications).